The following is an entry in ClinVar:

ClinVar aggregate classification (germline): Likely benign (1 of 4 stars; one submission).

Allele frequency attached by ClinVar (database versions not stated): 1000 Genomes Project 30x 0.00265; 1000 Genomes Project 0.00280; ESP Exome Variant Server 0.00477; ExAC 0.00582.
gnomAD v4.1: 8,814 of 1,614,126 alleles (0.55%); highest among the groups gnomAD compares: Middle Eastern, 0.91%; 48 homozygotes.

Submission:

CeGaT Center for Human Genetics Tuebingen
Classification: Likely benign. Last evaluated: 2023-04-01. Review status: criteria provided, single submitter. Criteria: CeGaT Center For Human Genetics Tuebingen Variant Classification Criteria Version 2. Collection method: clinical testing. Allele origin: germline. Affected: yes. Observed: 1 variant allele.
Comment: EFCAB6: BP4, BS2

NM_022785.4(EFCAB6):c.3948G>T (p.Arg1316Ser)

Gene: EFCAB6 (EF-hand calcium binding domain 6; minus strand). Cytogenetic location: 22q13.2.
Variant type: single nucleotide variant.
Coding change: c.3948G>T on transcript NM_022785.4 (MANE Select); coding-DNA position 3948, G replaced by T.
Protein change: p.Arg1316Ser; replaces arginine 1316 with serine.
Molecular consequence: missense variant.
Genome position (GRCh38, 1-based): chr22:43,537,477, C>A on the plus strand (G>T on the coding strand, the complement: EFCAB6 is on the minus strand). VCF-style: chr22-43537477-C-A. GRCh37 (hg19) VCF-style: chr22-43933357-C-A.
Other names: c.3492G>T, p.Arg1164Ser (NM_198856.3); short protein forms R1164S, R1316S.
Identifiers: ClinVar variation 2653268 (VCV002653268.24), dbSNP rs143251330, ClinGen allele CA10275551.